The following is an entry in ClinVar:

NM_024911.7(WLS):c.517G>A (p.Glu173Lys)

Genes: GNG12-AS1 (GNG12, DIRAS3 and WLS antisense RNA 1; plus strand), WLS (Wnt ligand secretion mediator; minus strand). Cytogenetic location: 1p31.3.
Variant type: single nucleotide variant.
Coding change: c.517G>A on transcript NM_024911.7 (MANE Select); coding-DNA position 517, G replaced by A.
Protein change: p.Glu173Lys; replaces glutamic acid 173 with lysine.
Molecular consequence: missense variant.
Genome position (GRCh38, 1-based): chr1:68,155,248, C>T on the plus strand (G>A on the coding strand, the complement: WLS is on the minus strand). VCF-style: chr1-68155248-C-T. GRCh37 (hg19) VCF-style: chr1-68620931-C-T.
Other names: c.511G>A, p.Glu171Lys (NM_001002292.4); c.244G>A, p.Glu82Lys (NM_001193334.1); short protein forms E171K, E173K, E82K.
Identifiers: ClinVar variation 3778639 (VCV003778639.1).

ClinVar aggregate classification (germline): Likely pathogenic (0 of 4 stars; one submission).

Conditions:
Zaki syndrome. Also called: MICROCEPHALY, PROGRESSIVE, WITH DEVELOPMENTAL DELAY, CUPPED EARS, AND DYSMORPHIC FEATURES. Identifiers: MedGen C5562037, MONDO:0859209, OMIM 619648.

Submission:

Medical Genetics Laboratory, AJA University of Medical Sciences
Classification: Likely pathogenic for Zaki syndrome. Review status: no assertion criteria provided. Collection method: clinical testing. Allele origin: germline. Inheritance: Autosomal recessive inheritance. Affected: yes. Observed: 1 homozygote.
Comment: The Glu173Lys variant in WLS gene causes a missense change involving the alteration of a conserved nucleotide. The variant was absent in control chromosomes in GnomAD project.